The following is an entry in ClinVar:

NM_001844.5(COL2A1):c.4074+1G>A

Gene: COL2A1 (collagen type II alpha 1 chain; minus strand). Cytogenetic location: 12q13.11.
Variant type: single nucleotide variant.
Coding change: c.4074+1G>A on transcript NM_001844.5 (MANE Select); the canonical splice donor site of the intron after coding-DNA position 4074, G replaced by A.
Molecular consequence: splice donor variant.
Genome position (GRCh38, 1-based): chr12:47,974,674, C>T on the plus strand (G>A on the coding strand, the complement: COL2A1 is on the minus strand). VCF-style: chr12-47974674-C-T. GRCh37 (hg19) VCF-style: chr12-48368457-C-T.
Other names: c.3867+1G>A (NM_033150.3).
Identifiers: ClinVar variation 1326889 (VCV001326889.4), dbSNP rs2136507956, ClinGen allele CA384535267.

ClinVar aggregate classification (germline): Pathogenic. Review status: criteria provided, multiple submitters, no conflicts (2 of 4 stars). 2 submissions from 2 submitters: Pathogenic (2). Last evaluated 2023-01-15.

Conditions:
Stickler syndrome type 1 (STL1). Also called: ARTHROOPHTHALMOPATHY, HEREDITARY PROGRESSIVE; COL2A1-Related Stickler Syndrome; STICKLER SYNDROME, MEMBRANOUS VITREOUS TYPE; STICKLER SYNDROME, VITREOUS TYPE 1. Identifiers: Orphanet 828, Orphanet 90653, MedGen C2020284, MONDO:0007160, OMIM 108300.

Submissions (2):

GeneDx
Classification: Pathogenic. Last evaluated: 2023-01-15. Review status: criteria provided, single submitter. Criteria: GeneDx Variant Classification Process June 2021. Collection method: clinical testing. Allele origin: germline. Affected: yes.
Comment: Identified in a patient with congenital myopia, flattened face, bilateral sensorineural hearing loss, and marfanoid phenotype who also harbored a variant in the FBN1 gene (Markova et al., 2022); Canonical splice site variant predicted to result in a null allele in a gene for which loss of function is a known mechanism of disease; Not observed at significant frequency in large population cohorts (gnomAD); This variant is associated with the following publications: (PMID: 35052477)

Laboratory of Inherited Metabolic Diseases, Research centre for medical genetics
Classification: Pathogenic for Stickler syndrome type 1. Last evaluated: 2021-06-15. Review status: criteria provided, single submitter. Criteria: ACMG Guidelines, 2015. Collection method: clinical testing. Allele origin: de novo. Affected: yes. Observed: 1 variant allele.